The following is an entry in ClinVar:

ClinVar aggregate classification (germline): Likely benign. Review status: criteria provided, multiple submitters, no conflicts (2 of 4 stars). 3 submissions from 3 submitters: Likely benign (3). Last evaluated 2023-07-25.

Conditions:
Hereditary cancer-predisposing syndrome. Also called: Hereditary Cancer Syndrome; Neoplastic Syndromes, Hereditary; Tumor predisposition; Hereditary neoplastic syndrome. Identifiers: Orphanet 140162, MedGen C0027672, MeSH D009386, MONDO:0015356.
Neurofibromatosis, type 2 (SWNV). Also called: SCHWANNOMATOSIS, VESTIBULAR; BILATERAL ACOUSTIC NEUROFIBROMATOSIS; NF2-Related Schwannomatosis. Identifiers: Orphanet 637, MedGen C0027832, MONDO:0007039, OMIM 101000. Disease mechanism: loss of function.

Allele frequency attached by ClinVar (database versions not stated): gnomAD exomes below 0.00001.
gnomAD v4.1: 1 of 1,614,184 alleles (0.000062%); highest among the groups gnomAD compares: Non-Finnish European, 0.000085%; no homozygotes.

Submissions (3):

Labcorp Genetics (formerly Invitae), Labcorp
Classification: Likely benign for Neurofibromatosis, type 2. Last evaluated: 2023-07-25. Review status: criteria provided, single submitter. Criteria: Invitae Variant Classification Sherloc (09022015). Collection method: clinical testing. Allele origin: germline.

All of Us Research Program, National Institutes of Health
Classification: Likely benign for Neurofibromatosis, type 2. Last evaluated: 2023-04-28. Review status: criteria provided, single submitter. Criteria: ACMG Guidelines, 2015. Collection method: clinical testing. Allele origin: germline. Inheritance: Autosomal dominant inheritance. Observed: 2 variant alleles, 2 heterozygotes.
Comment: This study involves interpretation of variants in research participants for the purpose of population health screening. Participant phenotype was not available at the time of variant classification. Additional details can be found in publication PMID: 35346344, PMCID: PMC8962531

Ambry Genetics
Classification: Likely benign for Hereditary cancer-predisposing syndrome. Last evaluated: 2021-04-04. Review status: criteria provided, single submitter. Criteria: Ambry Variant Classification Scheme 2023. Collection method: clinical testing. Allele origin: germline.

NM_000268.4(NF2):c.126A>G (p.Lys42=)

Gene: NF2 (NF2, moesin-ezrin-radixin like (MERLIN) tumor suppressor; plus strand). Cytogenetic location: 22q12.2.
Variant type: single nucleotide variant.
Coding change: c.126A>G on transcript NM_000268.4 (MANE Select); coding-DNA position 126, A replaced by G.
Protein change: p.Lys42=; no amino-acid change (lysine 42 retained).
Molecular consequence: synonymous variant. On other transcripts: non-coding transcript variant (1), intron variant (3).
Genome position (GRCh38, 1-based): chr22:29,636,762, A>G. VCF-style: chr22-29636762-A-G. GRCh37 (hg19) VCF-style: chr22-30032751-A-G.
Other names: c.126A>G, p.Lys42= (NM_016418.5, NM_181825.3, NM_181829.3 and 2 more transcripts); c.115-2328A>G (NM_181828.3); c.115-5440A>G (NM_181830.3, NM_181831.3).
Identifiers: ClinVar variation 751421 (VCV000751421.12), dbSNP rs1601578848, ClinGen allele CA514191119.